The following is an entry in ClinVar:

ClinVar aggregate classification (germline): Likely benign (1 of 4 stars; one submission).

Conditions:
PLXNA4-related disorder. Also called: PLXNA4-related condition.

gnomAD v4.1: 1 of 1,614,038 alleles (0.000062%); highest among the groups gnomAD compares: Admixed American, 0.0017%; no homozygotes.

Submission:

PreventionGenetics, part of Exact Sciences
Classification: Likely benign for PLXNA4-related condition. Last evaluated: 2026-09-20. Review status: criteria provided, single submitter. Criteria: ACMG Guidelines, 2015. Collection method: clinical testing. Allele origin: germline.
Comment: This variant is classified as likely benign based on ACMG/AMP sequence variant interpretation guidelines (Richards et al. 2015 PMID: 25741868, with internal and published modifications).

NM_020911.2(PLXNA4):c.936T>A (p.Ala312=)

Gene: PLXNA4 (plexin A4; minus strand). Cytogenetic location: 7q32.3.
Variant type: single nucleotide variant.
Coding change: c.936T>A on transcript NM_020911.2 (MANE Select); coding-DNA position 936, T replaced by A.
Protein change: p.Ala312=; no amino-acid change (alanine 312 retained).
Molecular consequence: synonymous variant.
Genome position (GRCh38, 1-based): chr7:132,507,758, A>T on the plus strand (T>A on the coding strand, the complement: PLXNA4 is on the minus strand). VCF-style: chr7-132507758-A-T. GRCh37 (hg19) VCF-style: chr7-132192517-A-T.
Other names: c.936T>A, p.Ala312= (NM_001105543.2, NM_001393897.1, NM_181775.4).
Identifiers: ClinVar variation 4988112 (VCV004988112.1).